The following is an entry in ClinVar:

NM_000287.4(PEX6):c.2351A>G (p.Asn784Ser)

Gene: PEX6 (peroxisomal biogenesis factor 6; minus strand). Cytogenetic location: 6p21.1.
Variant type: single nucleotide variant.
Coding change: c.2351A>G on transcript NM_000287.4 (MANE Select); coding-DNA position 2351, A replaced by G.
Protein change: p.Asn784Ser; replaces asparagine 784 with serine.
Molecular consequence: missense variant.
Genome position (GRCh38, 1-based): chr6:42,966,055, T>C on the plus strand (A>G on the coding strand, the complement: PEX6 is on the minus strand). VCF-style: chr6-42966055-T-C. GRCh37 (hg19) VCF-style: chr6-42933793-T-C.
Other names: c.2087A>G, p.Asn696Ser (NM_001316313.2); short protein forms N696S, N784S.
Identifiers: ClinVar variation 1504101 (VCV001504101.8), dbSNP rs1769787466, ClinGen allele CA364151829.
Genomic context (GRCh38, chr6:42,966,055, plus strand): 5'-ATCGGGGTTTGGGAAGCATGGGACGCCCTGCCCCTCCCTGCTCACTCACCTTCCCGCACA[T>C]TCTCCTCACTTTGGCCCACATACATGTTAATGAGCTCTGGCCCCTTCACGCTGAGTGAGA-3'
Protein context (NP_000278.3, residues 774-794): INMYVGQSEE[Asn784Ser]VREVFARARA

ClinVar aggregate classification (germline): Uncertain significance (1 of 4 stars; one submission).

Conditions:
Peroxisome biogenesis disorder. Identifiers: Orphanet 79189, MedGen C1832200, MONDO:0019234. Disease mechanism: loss of function.

Submission:

Labcorp Genetics (formerly Invitae), Labcorp
Classification: Uncertain significance for Peroxisome biogenesis disorder. Last evaluated: 2022-02-08. Review status: criteria provided, single submitter. Criteria: Invitae Variant Classification Sherloc (09022015). Collection method: clinical testing. Allele origin: germline.
Comment: This sequence change replaces asparagine, which is neutral and polar, with serine, which is neutral and polar, at codon 784 of the PEX6 protein (p.Asn784Ser). This variant is not present in population databases (gnomAD no frequency). This variant has not been reported in the literature in individuals affected with PEX6-related conditions. Algorithms developed to predict the effect of missense changes on protein structure and function (SIFT, PolyPhen-2, Align-GVGD) all suggest that this variant is likely to be disruptive. In summary, the available evidence is currently insufficient to determine the role of this variant in disease. Therefore, it has been classified as a Variant of Uncertain Significance.